The following is an entry in ClinVar:

NM_021625.5(TRPV4):c.2251T>C (p.Phe751Leu)

Gene: TRPV4 (transient receptor potential cation channel subfamily V member 4; minus strand). Cytogenetic location: 12q24.11.
Variant type: single nucleotide variant.
Coding change: c.2251T>C on transcript NM_021625.5 (MANE Select); coding-DNA position 2251, T replaced by C.
Protein change: p.Phe751Leu; replaces phenylalanine 751 with leucine.
Molecular consequence: missense variant.
Genome position (GRCh38, 1-based): chr12:109,786,795, A>G on the plus strand (T>C on the coding strand, the complement: TRPV4 is on the minus strand). VCF-style: chr12-109786795-A-G. GRCh37 (hg19) VCF-style: chr12-110224600-A-G.
Other names: c.2071T>C, p.Phe691Leu (NM_147204.3); c.2110T>C, p.Phe704Leu (NM_001177428.2); c.2149T>C, p.Phe717Leu (NM_001177431.2); c.1930T>C, p.Phe644Leu (NM_001177433.2); short protein forms F644L, F717L, F691L, F704L, F751L.
Identifiers: ClinVar variation 854214 (VCV000854214.9), dbSNP rs1889714537, ClinGen allele CA386649506.

ClinVar aggregate classification (germline): Uncertain significance (1 of 4 stars; one submission).

Conditions:
Charcot-Marie-Tooth disease axonal type 2C (HMSN2C). Also called: Charcot-Marie-Tooth Disease Type 2, TRPV4-Related (CMT2C); CHARCOT-MARIE-TOOTH DISEASE, AXONAL, AUTOSOMAL DOMINANT, TYPE 2C; Charcot-Marie-Tooth Neuropathy Type 2C. Identifiers: Orphanet 99937, MedGen C1853710, MONDO:0011633, OMIM 606071.

Submission:

Labcorp Genetics (formerly Invitae), Labcorp
Classification: Uncertain significance for Charcot-Marie-Tooth disease axonal type 2C. Last evaluated: 2019-04-22. Review status: criteria provided, single submitter. Criteria: Invitae Variant Classification Sherloc (09022015). Collection method: clinical testing. Allele origin: germline.
Comment: In summary, the available evidence is currently insufficient to determine the role of this variant in disease. Therefore, it has been classified as a Variant of Uncertain Significance. Algorithms developed to predict the effect of missense changes on protein structure and function (SIFT, PolyPhen-2, Align-GVGD) all suggest that this variant is likely to be tolerated, but these predictions have not been confirmed by published functional studies and their clinical significance is uncertain. This variant has not been reported in the literature in individuals with TRPV4-related conditions. This variant is not present in population databases (ExAC no frequency). This sequence change replaces phenylalanine with leucine at codon 751 of the TRPV4 protein (p.Phe751Leu). The phenylalanine residue is moderately conserved and there is a small physicochemical difference between phenylalanine and leucine.